The following is an entry in ClinVar:

NM_004104.5(FASN):c.6848A>G (p.His2283Arg)

Gene: FASN (fatty acid synthase; minus strand). Cytogenetic location: 17q25.3.
Variant type: single nucleotide variant.
Coding change: c.6848A>G on transcript NM_004104.5 (MANE Select); coding-DNA position 6848, A replaced by G.
Protein change: p.His2283Arg; replaces histidine 2283 with arginine.
Molecular consequence: missense variant.
Genome position (GRCh38, 1-based): chr17:82,080,569, T>C on the plus strand (A>G on the coding strand, the complement: FASN is on the minus strand). VCF-style: chr17-82080569-T-C. GRCh37 (hg19) VCF-style: chr17-80038445-T-C.
Other names: short protein forms H2283R.
Identifiers: ClinVar variation 3663360 (VCV003663360.2).
Genomic context (GRCh38, chr17:82,080,569, plus strand): 5'-CGGTAGGGGCCCTCGGGCTGCACCTGCCTGATGCAGTCGATGTAGTAGGCAGCCAGGCTG[T>C]GGATGCTGTCAAGGGGCGCAGCTGCAATGGCAGTGCCGGGCACTCAGCATGTGCAGGCGG-3'
Protein context (NP_004095.4, residues 2273-2293): CTRAAPLDSI[His2283Arg]SLAAYYIDCI

ClinVar aggregate classification (germline): Uncertain significance (1 of 4 stars; one submission).

Conditions:
Epileptic encephalopathy. Identifiers: MedGen C0543888, HP:0200134.

Submission:

Labcorp Genetics (formerly Invitae), Labcorp
Classification: Uncertain significance for Epileptic encephalopathy. Last evaluated: 2024-12-04. Review status: criteria provided, single submitter. Criteria: Invitae Variant Classification Sherloc (09022015). Collection method: clinical testing. Allele origin: germline.
Comment: This sequence change replaces histidine, which is basic and polar, with arginine, which is basic and polar, at codon 2283 of the FASN protein (p.His2283Arg). This variant is not present in population databases (gnomAD no frequency). This variant has not been reported in the literature in individuals affected with FASN-related conditions. An algorithm developed to predict the effect of missense changes on protein structure and function (PolyPhen-2) suggests that this variant is likely to be tolerated. In summary, the available evidence is currently insufficient to determine the role of this variant in disease. Therefore, it has been classified as a Variant of Uncertain Significance.